The following is an entry in ClinVar:

NM_001252102.2(KIF21B):c.3199A>G (p.Met1067Val)

Gene: KIF21B (kinesin family member 21B; minus strand). Cytogenetic location: 1q32.1.
Variant type: single nucleotide variant.
Coding change: c.3199A>G on transcript NM_001252102.2 (MANE Select); coding-DNA position 3199, A replaced by G.
Protein change: p.Met1067Val; replaces methionine 1067 with valine.
Molecular consequence: missense variant.
Genome position (GRCh38, 1-based): chr1:200,988,865, T>C on the plus strand (A>G on the coding strand, the complement: KIF21B is on the minus strand). VCF-style: chr1-200988865-T-C. GRCh37 (hg19) VCF-style: chr1-200957993-T-C.
Other names: c.3199A>G, p.Met1067Val (NM_001252100.2, NM_001252103.2, NM_017596.4); short protein forms M1067V.
Identifiers: ClinVar variation 4858896 (VCV004858896.1).

ClinVar aggregate classification (germline): Uncertain significance (1 of 4 stars; one submission).

Submission:

Ambry Genetics
Classification: Uncertain significance. Last evaluated: 2026-05-05. Review status: criteria provided, single submitter. Criteria: Ambry Variant Classification Scheme 2023. Collection method: clinical testing. Allele origin: germline.
Comment: The c.3199A>G (p.M1067V) alteration is located in exon 22 (coding exon 22) of the KIF21B gene. This alteration results from a A to G substitution at nucleotide position 3199, causing the methionine (M) at amino acid position 1067 to be replaced by a valine (V). Based on data from gnomAD, the G allele has an overall frequency of 0.001% (2/248780) total alleles studied. The highest observed frequency was 0.006% (2/34354) of Latino alleles. Based on insufficient or conflicting evidence, the clinical significance of this alteration remains unclear.